The following is an entry in ClinVar:

ClinVar aggregate classification (germline): Likely benign (0 of 4 stars; one submission).

Conditions:
SLCO1B3-related disorder. Also called: SLCO1B3-related condition.

gnomAD v4.1: 5 of 1,559,432 alleles (0.00032%); highest among the groups gnomAD compares: Admixed American, 0.0096%; no homozygotes.

Submission:

PreventionGenetics, part of Exact Sciences
Classification: Likely benign for SLCO1B3-related condition. Last evaluated: 2024-05-24. Review status: no assertion criteria provided. Collection method: clinical testing. Allele origin: germline.
Comment: This variant is classified as likely benign based on ACMG/AMP sequence variant interpretation guidelines (Richards et al. 2015 PMID: 25741868, with internal and published modifications).

NM_019844.4(SLCO1B3):c.1136-6T>A

Genes: SLCO1B3 (solute carrier organic anion transporter family member 1B3; plus strand), SLCO1B3-SLCO1B7 (SLCO1B3-SLCO1B7 readthrough; plus strand). Cytogenetic location: 12p12.2.
Variant type: single nucleotide variant.
Coding change: c.1136-6T>A on transcript NM_019844.4 (MANE Select); 6 bases into the intron before coding-DNA position 1136, T replaced by A.
Molecular consequence: intron variant.
Genome position (GRCh38, 1-based): chr12:20,879,430, T>A. VCF-style: chr12-20879430-T-A. GRCh37 (hg19) VCF-style: chr12-21032364-T-A.
Other names: c.1052-6T>A (NM_001349920.2); c.1136-6T>A (NM_001371097.1).
Identifiers: ClinVar variation 3355885 (VCV003355885.1).